The following is an entry in ClinVar:

ClinVar aggregate classification (germline): Likely benign. Review status: criteria provided, single submitter (1 of 4 stars). 2 submissions from 2 submitters: Likely benign (1). 1 of the submissions does not count toward it. Last evaluated 2025-12-20.

Conditions:
Hypertrophic cardiomyopathy. Also called: HYPERTROPHIC MYOCARDIOPATHY. Identifiers: Orphanet 217569, MedGen C0007194, MeSH D002312, MONDO:0005045, HP:0001639.
MYOM1-related disorder.

Allele frequency attached by ClinVar (database versions not stated): 1000 Genomes Project 30x 0.00125; 1000 Genomes Project 0.00160.
gnomAD v4.1: 491 of 1,574,248 alleles (0.031%); highest among the groups gnomAD compares: East Asian, 1.1%; 7 homozygotes.

Submissions (2):

Labcorp Genetics (formerly Invitae), Labcorp
Classification: Likely benign for Hypertrophic cardiomyopathy. Last evaluated: 2025-12-20. Review status: criteria provided, single submitter. Criteria: Invitae Variant Classification Sherloc (09022015). Collection method: clinical testing. Allele origin: germline.

PreventionGenetics, part of Exact Sciences
Classification: Likely benign for MYOM1-related condition. Last evaluated: 2020-04-20. Review status: no assertion criteria provided. Collection method: clinical testing. Allele origin: germline. Not counted in ClinVar's aggregate classification.
Comment: This variant is classified as likely benign based on ACMG/AMP sequence variant interpretation guidelines (Richards et al. 2015 PMID: 25741868, with internal and published modifications).

NM_003803.4(MYOM1):c.290+8G>A

Gene: MYOM1 (myomesin 1; minus strand). Cytogenetic location: 18p11.31.
Variant type: single nucleotide variant.
Coding change: c.290+8G>A on transcript NM_003803.4 (MANE Select); 8 bases into the intron after coding-DNA position 290, G replaced by A.
Molecular consequence: intron variant.
Genome position (GRCh38, 1-based): chr18:3,214,926, C>T on the plus strand (G>A on the coding strand, the complement: MYOM1 is on the minus strand). VCF-style: chr18-3214926-C-T. GRCh37 (hg19) VCF-style: chr18-3214924-C-T.
Other names: c.290+8G>A (NM_019856.2, NM_003803.3).
Identifiers: ClinVar variation 1079898 (VCV001079898.11), dbSNP rs138605134, ClinGen allele CA8875302.